The following is an entry in ClinVar:

ClinVar aggregate classification (germline): Conflicting classifications of pathogenicity. Review status: criteria provided, conflicting classifications (1 of 4 stars). 3 submissions from 3 submitters: Uncertain significance (2); Likely benign (1). Last evaluated 2023-03-23.

Conditions:
Hereditary breast ovarian cancer syndrome. Also called: Hereditary breast and ovarian cancer; Breast and ovarian cancer; Hereditary breast and/or ovarian cancer syndrome; Hereditary breast and ovarian cancer syndrome; BRCA1- and BRCA2-Associated Hereditary Breast and Ovarian Cancer; Hereditary breast and ovarian cancer syndrome (HBOC). Identifiers: Orphanet 145, MedGen C0677776, MeSH D061325, MONDO:0003582. Disease mechanism: loss of function.
Hereditary cancer-predisposing syndrome. Also called: Tumor predisposition; Hereditary Cancer Syndrome; Neoplastic Syndromes, Hereditary; Hereditary neoplastic syndrome. Identifiers: Orphanet 140162, MedGen C0027672, MeSH D009386, MONDO:0015356.

Submissions (3):

University of Washington Department of Laboratory Medicine, University of Washington
Classification: Likely benign for Hereditary cancer-predisposing syndrome. Last evaluated: 2023-03-23. Review status: criteria provided, single submitter. Criteria: Dines et al. (Genet Med. 2020). Collection method: curation. Allele origin: germline.
Comment: Missense variant in a coldspot region where missense variants are very unlikely to be pathogenic (PMID:31911673).

BRCA1 coldspot (exon 11 using historical exon numbering). Reclassification based on statistical prior probability

Labcorp Genetics (formerly Invitae), Labcorp
Classification: Uncertain significance for Hereditary breast ovarian cancer syndrome. Last evaluated: 2022-04-01. Review status: criteria provided, single submitter. Criteria: Invitae Variant Classification Sherloc (09022015). Collection method: clinical testing. Allele origin: germline.
Comment: In summary, the available evidence is currently insufficient to determine the role of this variant in disease. Therefore, it has been classified as a Variant of Uncertain Significance. Advanced modeling of protein sequence and biophysical properties (such as structural, functional, and spatial information, amino acid conservation, physicochemical variation, residue mobility, and thermodynamic stability) performed at Invitae indicates that this missense variant is not expected to disrupt BRCA1 protein function. ClinVar contains an entry for this variant (Variation ID: 821740). This variant has not been reported in the literature in individuals affected with BRCA1-related conditions. This variant is not present in population databases (gnomAD no frequency). This sequence change replaces asparagine, which is neutral and polar, with aspartic acid, which is acidic and polar, at codon 913 of the BRCA1 protein (p.Asn913Asp).

Ambry Genetics
Classification: Uncertain significance for Hereditary cancer-predisposing syndrome. Last evaluated: 2019-09-13. Review status: criteria provided, single submitter. Criteria: Ambry Variant Classification Scheme 2023. Collection method: clinical testing. Allele origin: germline.
Comment: The p.N913D variant (also known as c.2737A>G), located in coding exon 9 of the BRCA1 gene, results from an A to G substitution at nucleotide position 2737. The asparagine at codon 913 is replaced by aspartic acid, an amino acid with highly similar properties. This amino acid position is poorly conserved in available vertebrate species. In addition, this alteration is predicted to be tolerated by in silico analysis. Since supporting evidence is limited at this time, the clinical significance of this alteration remains unclear.

NM_007294.4(BRCA1):c.2737A>G (p.Asn913Asp)

Gene: BRCA1 (BRCA1 DNA repair associated; minus strand). Cytogenetic location: 17q21.31.
Variant type: single nucleotide variant.
Coding change: c.2737A>G on transcript NM_007294.4 (MANE Select); coding-DNA position 2737, A replaced by G.
Protein change: p.Asn913Asp; replaces asparagine 913 with aspartic acid.
Molecular consequence: missense variant. On other transcripts: intron variant (137).
Genome position (GRCh38, 1-based): chr17:43,092,794, T>C on the plus strand (A>G on the coding strand, the complement: BRCA1 is on the minus strand). VCF-style: chr17-43092794-T-C. GRCh37 (hg19) VCF-style: chr17-41244811-T-C.
Other names: c.2527A>G, p.Asn843Asp (NM_001407910.1, NM_001407879.1, NM_001407881.1 and 13 more transcripts); c.2524A>G, p.Asn842Asp (NM_001407915.1, NM_001407916.1, NM_001407917.1 and 9 more transcripts); c.2614A>G, p.Asn872Asp (NM_001407919.1, NM_001407648.1, NM_001407664.1 and 19 more transcripts); c.2473A>G, p.Asn825Asp (NM_001407921.1, NM_001407920.1, NM_001407922.1 and 9 more transcripts); c.788-1762A>G (NM_001407979.1, NM_001407977.1, NM_001407982.1 and 17 more transcripts); c.647-1762A>G (NM_001408410.1, NM_001408458.1, NM_001408469.1 and 11 more transcripts); c.710-1762A>G (NM_001408415.1, NM_001408412.1, NM_001408409.1 and 2 more transcripts); c.578-1762A>G (NM_001408483.1, NM_001408481.1, NM_001408480.1 and 9 more transcripts); and 41 more; short protein forms N913D, N866D, N617D, N825D, N846D, N886D, N912D, N842D.
Identifiers: ClinVar variation 821740 (VCV000821740.12), dbSNP rs1597867982, ClinGen allele CA10596516.
Genomic context (GRCh38, chr17:43,092,794, plus strand): 5'-CAACCACAGGAAAGCCTGCAGTGATATTAACTGTCTGTACAGGCTTGATATTAGACTCAT[T>C]CTTTCCTTGATTTTCTTCCTTTTGTTCACATTCAAAAGTGACTTTTGGACTTTGTTTCTT-3'
Protein context (NP_009225.1, residues 903-923): CEQKEENQGK[Asn913Asp]ESNIKPVQTV